The following is an entry in ClinVar:

NM_003482.4(KMT2D):c.7351T>C (p.Ser2451Pro)

Gene: KMT2D (lysine methyltransferase 2D; minus strand). Cytogenetic location: 12q13.12.
Variant type: single nucleotide variant.
Coding change: c.7351T>C on transcript NM_003482.4 (MANE Select); coding-DNA position 7351, T replaced by C.
Protein change: p.Ser2451Pro; replaces serine 2451 with proline.
Molecular consequence: missense variant.
Genome position (GRCh38, 1-based): chr12:49,040,419, A>G on the plus strand (T>C on the coding strand, the complement: KMT2D is on the minus strand). VCF-style: chr12-49040419-A-G. GRCh37 (hg19) VCF-style: chr12-49434202-A-G.
Other names: short protein forms S2451P.
Identifiers: ClinVar variation 1712713 (VCV001712713.2), dbSNP rs2120528765, ClinGen allele CA384747877.

ClinVar aggregate classification (germline): Uncertain significance (1 of 4 stars; one submission).

Submission:

GeneDx
Classification: Uncertain significance. Last evaluated: 2022-04-27. Review status: criteria provided, single submitter. Criteria: GeneDx Variant Classification Process June 2021. Collection method: clinical testing. Allele origin: germline. Affected: yes.
Comment: Not observed at significant frequency in large population cohorts (gnomAD); In silico analysis supports that this missense variant has a deleterious effect on protein structure/function; Has not been previously published as pathogenic or benign to our knowledge